The following is an entry in ClinVar:

NM_001365276.2(TNXB):c.10355del (p.Leu3452fs)

Gene: TNXB (tenascin XB; minus strand). Cytogenetic location: 6p21.33.
Variant type: Deletion.
Coding change: c.10355del on transcript NM_001365276.2 (MANE Select); coding-DNA position 10355, one base deleted (T; older notation c.10355delT).
Protein change: p.Leu3452fs; shifts the reading frame from leucine 3452.
Molecular consequence: frameshift variant.
Genome position (GRCh38, 1-based): chr6:32,046,426, A deleted on the plus strand (T on the coding strand, the reverse complement: TNXB is on the minus strand). VCF-style (leftmost placement, unchanged base first): chr6-32046425-CA-C. GRCh37 (hg19) VCF-style: chr6-32014202-CA-C.
Other names: c.11096del, p.Leu3699fs (NM_001428335.1); c.10349del, p.Leu3450fs (NM_019105.8); short protein forms L3450fs, L3452fs, L3699fs.
Identifiers: ClinVar variation 5015285 (VCV005015285.1).

ClinVar aggregate classification (germline): Pathogenic (1 of 4 stars; one submission).

Conditions:
Ehlers-Danlos syndrome due to tenascin-X deficiency (EDSCLL1). Also called: EDS DUE TO TNX DEFICIENCY; TNX DEFICIENCY; Ehlers-Danlos syndrome, classic-like, 1; EHLERS-DANLOS SYNDROME, CLASSIC-LIKE; TNXB-Related Classical-Like Ehlers-Danlos Syndrome. Identifiers: Orphanet 230839, MedGen C1848029, MONDO:0011670, OMIM 606408.

Submission:

Myriad Genetics, Inc.
Classification: Pathogenic for Ehlers-Danlos syndrome due to tenascin-X deficiency. Last evaluated: 2025-12-02. Review status: criteria provided, single submitter. Criteria: Myriad Autosomal Dominant, Autosomal Recessive and X-Linked Classification Criteria (2023). Collection method: clinical testing. Allele origin: unknown.
Comment: NM_019105.6(TNXB):c.10349delT(L3450Rfs*4) is expected to be pathogenic in the context of classical-like Ehlers-Danlos syndrome, TNXB-related. This variant is predicted to lead to an abnormal or absent protein product due to the creation of a premature termination codon in TNXB, a gene where loss-of-function variants are known to be pathogenic. Please note: this variant was assessed in the context of healthy population screening.